The following is an entry in ClinVar:

ClinVar aggregate classification (germline): Uncertain significance (1 of 4 stars; one submission).

Conditions:
Duchenne muscular dystrophy (DMD). Also called: Duchenne Muscular Dystrophy (DMD); MUSCULAR DYSTROPHY, PSEUDOHYPERTROPHIC PROGRESSIVE, DUCHENNE TYPE. Identifiers: Orphanet 98896, MedGen C0013264, MONDO:0010679, OMIM 310200.

Submission:

Labcorp Genetics (formerly Invitae), Labcorp
Classification: Uncertain significance for Duchenne muscular dystrophy. Last evaluated: 2025-11-13. Review status: criteria provided, single submitter. Criteria: Invitae Variant Classification Sherloc (09022015). Collection method: clinical testing. Allele origin: germline.
Comment: This sequence change replaces lysine, which is basic and polar, with arginine, which is basic and polar, at codon 1539 of the DMD protein (p.Lys1539Arg). This variant is not present in population databases (gnomAD no frequency). This variant has not been reported in the literature in individuals affected with DMD-related conditions. Invitae Evidence Modeling of protein sequence and biophysical properties (such as structural, functional, and spatial information, amino acid conservation, physicochemical variation, residue mobility, and thermodynamic stability) indicates that this missense variant is not expected to disrupt DMD protein function with a negative predictive value of 95%. In summary, the available evidence is currently insufficient to determine the role of this variant in disease. Therefore, it has been classified as a Variant of Uncertain Significance.

NM_004006.3(DMD):c.4616A>G (p.Lys1539Arg)

Gene: DMD (dystrophin; minus strand). Cytogenetic location: Xp21.1.
Variant type: single nucleotide variant.
Coding change: c.4616A>G on transcript NM_004006.3 (MANE Select); coding-DNA position 4616, A replaced by G.
Protein change: p.Lys1539Arg; replaces lysine 1539 with arginine.
Molecular consequence: missense variant.
Genome position (GRCh38, 1-based): chrX:32,386,368, T>C on the plus strand (A>G on the coding strand, the complement: DMD is on the minus strand). VCF-style: chrX-32386368-T-C. GRCh37 (hg19) VCF-style: chrX-32404485-T-C.
Other names: c.4592A>G, p.Lys1531Arg (NM_000109.4); c.4604A>G, p.Lys1535Arg (NM_004009.3); c.4247A>G, p.Lys1416Arg (NM_004010.3); c.593A>G, p.Lys198Arg (NM_004011.4); c.584A>G, p.Lys195Arg (NM_004012.4); short protein forms K1416R, K1531R, K1535R, K1539R, K195R, K198R.
Identifiers: ClinVar variation 4800964 (VCV004800964.1).